The following is an entry in ClinVar:

NM_000414.4(HSD17B4):c.1537C>G (p.Pro513Ala)

Gene: HSD17B4 (hydroxysteroid 17-beta dehydrogenase 4; plus strand). Cytogenetic location: 5q23.1.
Variant type: single nucleotide variant.
Coding change: c.1537C>G on transcript NM_000414.4 (MANE Select); coding-DNA position 1537, C replaced by G.
Protein change: p.Pro513Ala; replaces proline 513 with alanine.
Molecular consequence: missense variant. On other transcripts: non-coding transcript variant (2).
Genome position (GRCh38, 1-based): chr5:119,525,249, C>G. VCF-style: chr5-119525249-C-G. GRCh37 (hg19) VCF-style: chr5-118860944-C-G.
Other names: c.1612C>G, p.Pro538Ala (NM_001199291.3); c.1483C>G, p.Pro495Ala (NM_001199292.2); c.1465C>G, p.Pro489Ala (NM_001292027.2, NM_001374498.1); c.1117C>G, p.Pro373Ala (NM_001292028.2); c.1528C>G, p.Pro510Ala (NM_001374497.1); c.1210C>G, p.Pro404Ala (NM_001374499.1); c.1096C>G, p.Pro366Ala (NM_001374500.1); c.1126C>G, p.Pro376Ala (NM_001374501.1, NM_001374502.1, NM_001374503.1); short protein forms P373A, P513A, P489A, P510A, P538A, P366A, P376A, P404A.
Identifiers: ClinVar variation 4999336 (VCV004999336.1).

ClinVar aggregate classification (germline): Uncertain significance (1 of 4 stars; one submission).

Conditions:
HSD17B4-related disorder. Also called: HSD17B4-related condition; HSD17B4-related disorders.

gnomAD v4.1: 3 of 1,612,264 alleles (0.00019%); highest among the groups gnomAD compares: Non-Finnish European, 0.00025%; no homozygotes.

Submission:

PreventionGenetics, part of Exact Sciences
Classification: Uncertain significance for HSD17B4-related condition. Last evaluated: 2025-06-23. Review status: criteria provided, single submitter. Criteria: ACMG Guidelines, 2015. Collection method: clinical testing. Allele origin: germline.
Comment: The HSD17B4 c.1537C>G variant is predicted to result in the amino acid substitution p.Pro513Ala. To our knowledge, this variant has not been reported in the literature or in a large population database (gnomAD), indicating this variant is rare. At this time, the clinical significance of this variant is uncertain due to the absence of conclusive functional and genetic evidence.